The following is an entry in ClinVar:

ClinVar aggregate classification (germline): Uncertain significance (1 of 4 stars; one submission).

Submission:

Ambry Genetics
Classification: Uncertain significance. Last evaluated: 2024-06-07. Review status: criteria provided, single submitter. Criteria: Ambry Variant Classification Scheme 2023. Collection method: clinical testing. Allele origin: germline.
Comment: The p.P953Q variant (also known as c.2858C>A), located in coding exon 16 of the POLQ gene, results from a C to A substitution at nucleotide position 2858. The proline at codon 953 is replaced by glutamine, an amino acid with similar properties. This amino acid position is conserved. In addition, this alteration is predicted to be tolerated by in silico analysis. Based on the available evidence, the clinical significance of this variant remains unclear.

NM_199420.4(POLQ):c.2858C>A (p.Pro953Gln)

Gene: POLQ (DNA polymerase theta; minus strand). Cytogenetic location: 3q13.33.
Variant type: single nucleotide variant.
Coding change: c.2858C>A on transcript NM_199420.4 (MANE Select); coding-DNA position 2858, C replaced by A.
Protein change: p.Pro953Gln; replaces proline 953 with glutamine.
Molecular consequence: missense variant.
Genome position (GRCh38, 1-based): chr3:121,490,073, G>T on the plus strand (C>A on the coding strand, the complement: POLQ is on the minus strand). VCF-style: chr3-121490073-G-T. GRCh37 (hg19) VCF-style: chr3-121208920-G-T.
Other names: short protein forms P953Q.
Identifiers: ClinVar variation 3308717 (VCV003308717.1).